The following is an entry in ClinVar:

NM_000642.3(AGL):c.4260-1G>T

Gene: AGL (amylo-alpha-1,6-glucosidase and 4-alpha-glucanotransferase; plus strand). Cytogenetic location: 1p21.2.
Variant type: single nucleotide variant.
Coding change: c.4260-1G>T on transcript NM_000642.3 (MANE Select); the canonical splice acceptor site of the intron before coding-DNA position 4260, G replaced by T.
Molecular consequence: splice acceptor variant.
Genome position (GRCh38, 1-based): chr1:99,916,409, G>T. VCF-style: chr1-99916409-G-T. GRCh37 (hg19) VCF-style: chr1-100381965-G-T.
Other names: c.4260-1G>T (NM_000643.3, NM_000644.3, NM_001425325.1 and 1 more transcripts); c.4212-1G>T (NM_000646.3); c.4239-1G>T (NM_001425326.1); c.4059-1G>T (NM_001425327.1); c.4056-1G>T (NM_001425328.1); c.3921-1G>T (NM_001425329.1); c.3882-1G>T (NM_001425332.1).
Identifiers: ClinVar variation 2733962 (VCV002733962.3), dbSNP rs1360640311, ClinGen allele CA341342157.

ClinVar aggregate classification (germline): Pathogenic (1 of 4 stars; one submission).

Conditions:
Glycogen storage disease type III (GSD3). Also called: Cori disease; FORBES DISEASE. Identifiers: Orphanet 366, MedGen C0017922, MONDO:0009291, OMIM 232400.

Submission:

Labcorp Genetics (formerly Invitae), Labcorp
Classification: Pathogenic for Glycogen storage disease type III. Last evaluated: 2023-06-02. Review status: criteria provided, single submitter. Criteria: Invitae Variant Classification Sherloc (09022015). Collection method: clinical testing. Allele origin: germline.
Comment: This sequence change affects an acceptor splice site in intron 31 of the AGL gene. It is expected to disrupt RNA splicing. Variants that disrupt the donor or acceptor splice site typically lead to a loss of protein function (PMID: 16199547), and loss-of-function variants in AGL are known to be pathogenic (PMID: 19299494). For these reasons, this variant has been classified as Pathogenic. Algorithms developed to predict the effect of sequence changes on RNA splicing suggest that this variant may disrupt the consensus splice site. Disruption of this splice site has been observed in individual(s) with glycogen storage disease (PMID: 27243974). In at least one individual the data is consistent with being in trans (on the opposite chromosome) from a pathogenic variant. This variant is not present in population databases (gnomAD no frequency).

Literature cited by the submitters: PubMed 16199547; PubMed 19299494; PubMed 27243974.